The following is an entry in ClinVar:

NM_001876.4(CPT1A):c.-70CGC[9]

Genes: CPT1A (carnitine palmitoyltransferase 1A; minus strand), LOC130006268 (ATAC-STARR-seq lymphoblastoid silent region 3684; plus strand). Cytogenetic location: 11q13.3.
Variant type: Microsatellite.
Coding change: c.-70CGC[9] on transcript NM_001876.4 (MANE Select); nine copies in a row of the 3-base unit CGC starting at c.-70; the reference has seven copies in a row; two copies, 6 bases duplicated.
Molecular consequence: 5 prime UTR variant.
Genome position (GRCh38, 1-based): chr11:68,841,811-68,841,816, GCGGCG duplicated on the plus strand (CGCCGC on the coding strand, the reverse complement: CPT1A is on the minus strand); duplicating any 6 consecutive bases within chr11:68,841,811-68,841,832 gives the same sequence; the position shown is the placement nearest the transcript's 3' end. VCF-style (leftmost placement, unchanged base first): chr11-68841810-A-AGCGGCG. GRCh37 (hg19) VCF-style: chr11-68609278-A-AGCGGCG.
Other names: c.-70CGC[9] (NM_001031847.3).
Identifiers: ClinVar variation 420630 (VCV000420630.1), dbSNP rs891856679, ClinGen allele CA16619397.

ClinVar aggregate classification (germline): Likely benign (1 of 4 stars; one submission).

Submission:

GeneDx
Classification: Likely benign. Last evaluated: 2016-03-28. Review status: criteria provided, single submitter. Criteria: GeneDx Variant Classification (06012015). Collection method: clinical testing. Allele origin: germline. Affected: yes.
Comment: This variant is considered likely benign or benign based on one or more of the following criteria: it is a conservative change, it occurs at a poorly conserved position in the protein, it is predicted to be benign by multiple in silico algorithms, and/or has population frequency not consistent with disease.